The following is an entry in ClinVar:

NM_005317.4(GZMM):c.303C>A (p.Arg101=)

Gene: GZMM (granzyme M; plus strand). Cytogenetic location: 19p13.3.
Variant type: single nucleotide variant.
Coding change: c.303C>A on transcript NM_005317.4 (MANE Select); coding-DNA position 303, C replaced by A.
Protein change: p.Arg101=; no amino-acid change (arginine 101 retained).
Molecular consequence: synonymous variant.
Genome position (GRCh38, 1-based): chr19:548,632, C>A. VCF-style: chr19-548632-C-A. GRCh37 (hg19) VCF-style: chr19-548632-C-A.
Other names: c.186C>A, p.Arg62= (NM_001258351.2).
Identifiers: ClinVar variation 4821870 (VCV004821870.4).

ClinVar aggregate classification (germline): Likely benign (1 of 4 stars; one submission).

Submission:

CeGaT Center for Human Genetics Tuebingen
Classification: Likely benign. Last evaluated: 2026-03-01. Review status: criteria provided, single submitter. Criteria: CeGaT Center For Human Genetics Tuebingen Variant Classification Criteria Version 2. Collection method: clinical testing. Allele origin: germline. Affected: yes. Observed: 1 variant allele.
Comment: GZMM: BP4, BP7